The following is an entry in ClinVar:

ClinVar aggregate classification (germline): Uncertain significance (1 of 4 stars; one submission).

Conditions:
Inborn genetic diseases. Identifiers: MedGen C0950123, MeSH D030342.

Submission:

Ambry Genetics
Classification: Uncertain significance for Inborn genetic diseases. Last evaluated: 2026-08-08. Review status: criteria provided, single submitter. Criteria: Ambry Variant Classification Scheme 2023. Collection method: clinical testing. Allele origin: germline.
Comment: The p.D1513E variant (also known as c.4539T>G), located in coding exon 18 of the FANCM gene, results from a T to G substitution at nucleotide position 4539. The aspartic acid at codon 1513 is replaced by glutamic acid, an amino acid with highly similar properties. This amino acid position is conserved. In addition, this alteration is predicted to be tolerated by in silico analysis. Based on the available evidence, the clinical significance of this variant remains unclear.

NM_020937.4(FANCM):c.4539T>G (p.Asp1513Glu)

Gene: FANCM (FA complementation group M; plus strand). Cytogenetic location: 14q21.2.
Variant type: single nucleotide variant.
Coding change: c.4539T>G on transcript NM_020937.4 (MANE Select); coding-DNA position 4539, T replaced by G.
Protein change: p.Asp1513Glu; replaces aspartic acid 1513 with glutamic acid.
Molecular consequence: missense variant.
Genome position (GRCh38, 1-based): chr14:45,185,240, T>G. VCF-style: chr14-45185240-T-G. GRCh37 (hg19) VCF-style: chr14-45654443-T-G.
Other names: c.4461T>G, p.Asp1487Glu (NM_001308133.2); short protein forms D1487E, D1513E.
Identifiers: ClinVar variation 5036668 (VCV005036668.1).